The following is an entry in ClinVar:

NM_015662.3(IFT172):c.4795C>T (p.Arg1599Cys)

Genes: IFT172 (intraflagellar transport 172; minus strand), KRTCAP3 (keratinocyte associated protein 3; plus strand). Cytogenetic location: 2p23.3.
Variant type: single nucleotide variant.
Coding change: c.4795C>T on transcript NM_015662.3 (MANE Select); coding-DNA position 4795, C replaced by T.
Protein change: p.Arg1599Cys; replaces arginine 1599 with cysteine.
Molecular consequence: missense variant. On other transcripts: intron variant (1).
Genome position (GRCh38, 1-based): chr2:27,445,949, G>A on the plus strand (C>T on the coding strand, the complement: IFT172 is on the minus strand). VCF-style: chr2-27445949-G-A. GRCh37 (hg19) VCF-style: chr2-27668816-G-A.
Other names: c.4729C>T, p.Arg1577Cys (NM_001410739.1); c.*6-352G>A (NM_001168364.2); short protein forms R1599C, R1577C.
Identifiers: ClinVar variation 772893 (VCV000772893.19), dbSNP rs186020523, ClinGen allele CA1579472.

ClinVar aggregate classification (germline): Conflicting classifications of pathogenicity. Review status: criteria provided, conflicting classifications (1 of 4 stars). 5 submissions from 5 submitters: Uncertain significance (1); Benign (1); Likely benign (2). 1 of the submissions does not count toward it. Last evaluated 2025-10-29.

Conditions:
IFT172-related disorder. Also called: IFT172-related disorders; IFT172-related condition.
Retinitis pigmentosa 71 (RP71). Identifiers: Orphanet 791, MedGen C4225342, MONDO:0014618, OMIM 616394.
Short-rib thoracic dysplasia 10 with or without polydactyly (SRTD10). Identifiers: Orphanet 474, MedGen C3810175, MONDO:0014284, OMIM 615630.
Retinal dystrophy. Also called: Inherited retinal dystrophy. Identifiers: Orphanet 71862, MedGen C0854723, MeSH D058499, MONDO:0019118, HP:0000556.

Allele frequency attached by ClinVar (database versions not stated): TOPMed 0.00038; gnomAD 0.00013 and 0.00018; gnomAD exomes 0.00029; ESP Exome Variant Server 0.00008; ExAC 0.00030; 1000 Genomes Project 30x 0.00062; 1000 Genomes Project 0.00060.
gnomAD v4.1: 228 of 1,614,224 alleles (0.014%); highest among the groups gnomAD compares: East Asian, 0.34%; 1 homozygote.

Submissions (5):

Labcorp Genetics (formerly Invitae), Labcorp
Classification: Likely benign for Retinitis pigmentosa 71; Short-rib thoracic dysplasia 10 with or without polydactyly. Last evaluated: 2025-10-29. Review status: criteria provided, single submitter. Criteria: Invitae Variant Classification Sherloc (09022015). Collection method: clinical testing. Allele origin: germline.

Blueprint Genetics
Classification: Benign. Last evaluated: 2024-11-15. Review status: criteria provided, single submitter. Criteria: ACMG Guidelines, 2015. Collection method: clinical testing. Allele origin: germline.

Dept Of Ophthalmology, Nagoya University
Classification: Likely benign for Retinal dystrophy. Last evaluated: 2023-10-01. Review status: criteria provided, single submitter. Criteria: Submitter's publication. Collection method: research. Allele origin: germline. Affected: yes.

Revvity Omics, Revvity
Classification: Uncertain significance. Last evaluated: 2022-04-01. Review status: criteria provided, single submitter. Criteria: ACMG Guidelines, 2015. Collection method: clinical testing. Allele origin: germline.

PreventionGenetics, part of Exact Sciences
Classification: Likely benign for IFT172-related condition. Last evaluated: 2020-04-02. Review status: no assertion criteria provided. Collection method: clinical testing. Allele origin: germline. Not counted in ClinVar's aggregate classification.
Comment: This variant is classified as likely benign based on ACMG/AMP sequence variant interpretation guidelines (Richards et al. 2015 PMID: 25741868, with internal and published modifications).